The following is an entry in ClinVar:

NM_000178.4(GSS):c.1203C>T (p.Ile401=)

Gene: GSS (glutathione synthetase; minus strand). Cytogenetic location: 20q11.22.
Variant type: single nucleotide variant.
Coding change: c.1203C>T on transcript NM_000178.4 (MANE Select); coding-DNA position 1203, C replaced by T.
Protein change: p.Ile401=; no amino-acid change (isoleucine 401 retained).
Molecular consequence: synonymous variant.
Genome position (GRCh38, 1-based): chr20:34,929,499, G>A on the plus strand (C>T on the coding strand, the complement: GSS is on the minus strand). VCF-style: chr20-34929499-G-A. GRCh37 (hg19) VCF-style: chr20-33517302-G-A.
Other names: p.Ile401=; c.1203C>T, p.Ile401= (NM_001322494.1, NM_001322495.1, LRG_1168t1); c.1203C>T (NM_000178.3).
Identifiers: ClinVar variation 338295 (VCV000338295.23), dbSNP rs138574949, ClinGen allele CA9825841.

ClinVar aggregate classification (germline): Conflicting classifications of pathogenicity. Review status: criteria provided, conflicting classifications (1 of 4 stars). 7 submissions from 7 submitters: Uncertain significance (1); Benign (1); Likely benign (4). 1 of the submissions does not count toward it. Last evaluated 2026-08-01.

Conditions:
Glutathione synthetase deficiency with 5-oxoprolinuria. Also called: Gluthathione synthetase deficiency; 5-OXOPROLINURIA DUE TO GLUTATHIONE SYNTHETASE DEFICIENCY; Reduced glutathione synthetase level; 5-Oxoprolinuria; PYROGLUTAMIC ACIDURIA. Identifiers: Orphanet 289846, MedGen C0398746, MONDO:0009947, OMIM 266130, HP:0003343.
GSS-related disorder. Also called: GSS-related condition.
Inborn genetic diseases. Identifiers: MedGen C0950123, MeSH D030342.
Inherited glutathione synthetase deficiency. Identifiers: Orphanet 32, MedGen C5979912, MONDO:0017909.

Allele frequency attached by ClinVar (database versions not stated): gnomAD 0.00051; 1000 Genomes Project 0.00060; TOPMed 0.00074; 1000 Genomes Project 30x 0.00078; ESP Exome Variant Server 0.00100.

Submissions (7):

CeGaT Center for Human Genetics Tuebingen
Classification: Likely benign. Last evaluated: 2026-08-01. Review status: criteria provided, single submitter. Criteria: CeGaT Center For Human Genetics Tuebingen Variant Classification Criteria Version 2. Collection method: clinical testing. Allele origin: germline. Affected: yes. Observed: 1 variant allele.
Comment: GSS: BP4, BP7

Labcorp Genetics (formerly Invitae), Labcorp
Classification: Benign for Glutathione synthetase deficiency with 5-oxoprolinuria. Last evaluated: 2026-01-25. Review status: criteria provided, single submitter. Criteria: Invitae Variant Classification Sherloc (09022015). Collection method: clinical testing. Allele origin: germline.

Mayo Clinic Laboratories, Mayo Clinic
Classification: Likely benign. Last evaluated: 2025-05-15. Review status: criteria provided, single submitter. Criteria: ACMG Guidelines, 2015. Collection method: clinical testing. Allele origin: germline. Observed: 1 variant allele.
Comment: BP4, BP7

ARUP Laboratories, Molecular Genetics and Genomics, ARUP Laboratories
Classification: Likely benign. Last evaluated: 2025-01-24. Review status: criteria provided, single submitter. Criteria: ARUP Molecular Germline Variant Investigation Process 2024. Collection method: clinical testing. Allele origin: germline.

Ambry Genetics
Classification: Likely benign for Inborn genetic diseases. Last evaluated: 2022-04-03. Review status: criteria provided, single submitter. Criteria: Ambry Variant Classification Scheme 2023. Collection method: clinical testing. Allele origin: germline.

Illumina Laboratory Services, Illumina
Classification: Uncertain significance for Glutathione synthetase deficiency with 5-oxoprolinuria. Last evaluated: 2018-01-13. Review status: criteria provided, single submitter. Criteria: ICSL Variant Classification Criteria 13 December 2019. Collection method: clinical testing. Allele origin: germline.

PreventionGenetics, part of Exact Sciences
Classification: Likely benign for GSS-related condition. Last evaluated: 2019-02-27. Review status: no assertion criteria provided. Collection method: clinical testing. Allele origin: germline. Not counted in ClinVar's aggregate classification.
Comment: This variant is classified as likely benign based on ACMG/AMP sequence variant interpretation guidelines (Richards et al. 2015 PMID: 25741868, with internal and published modifications).